The following is an entry in ClinVar:

NM_000349.3(STAR):c.97del (p.Gln33fs)

Gene: STAR (steroidogenic acute regulatory protein; minus strand). Cytogenetic location: 8p11.23.
Variant type: Deletion.
Coding change: c.97del on transcript NM_000349.3 (MANE Select); coding-DNA position 97, one base deleted (C; older notation c.97delC).
Protein change: p.Gln33fs; shifts the reading frame from glutamine 33.
Molecular consequence: frameshift variant.
Genome position (GRCh38, 1-based): chr8:38,148,722, G deleted on the plus strand (C on the coding strand, the reverse complement: STAR is on the minus strand); the first of 2 consecutive G bases (chr8:38,148,722-38,148,723); deleting either gives the same sequence. VCF-style (leftmost placement, unchanged base first): chr8-38148721-TG-T. GRCh37 (hg19) VCF-style: chr8-38006239-TG-T.
Other names: short protein forms Q33fs.
Identifiers: ClinVar variation 1725364 (VCV001725364.2), dbSNP rs2487069210, ClinGen allele CA2580078246.
Genomic context (GRCh38, chr8:38,148,721, plus strand): 5'-CGAACCTGGTTAATCCACGTGCTAGGGGTGGGGCCCCCCAGGGCCCTCCGGTTCAGCTCC[TG>T]GCTGATGGCCATCACAGCCTGTTGCCTCAGCCCTGCAGAAGGGAATAACCCTTGTCTAGG-3'

ClinVar aggregate classification (germline): Likely pathogenic (1 of 4 stars; one submission).

Conditions:
Congenital lipoid adrenal hyperplasia due to STAR deficency. Also called: Congenital Lipoid Adrenal Hyperplasia; Cholesterol monooxygenase (side-chain cleaving) deficiency; Lipoid adrenal hyperplasia; ADRENAL HYPERPLASIA I. Identifiers: Orphanet 418, Orphanet 90790, MedGen C0342474, MONDO:0008725, OMIM 201710.

Submission:

Myriad Genetics, Inc.
Classification: Likely pathogenic for Congenital lipoid adrenal hyperplasia due to STAR deficency. Last evaluated: 2022-03-17. Review status: criteria provided, single submitter. Criteria: Myriad Women's Health Autosomal Recessive and X-Linked Classification Criteria (2021). Collection method: clinical testing. Allele origin: unknown.
Comment: NM_000349.2(STAR):c.97delC(Q33Rfs*3) is expected to be pathogenic in the context of lipoid congenital adrenal hyperplasia. This variant is predicted to lead to an abnormal or absent protein product due to the creation of a premature termination codon in STAR, a gene where loss-of-function variants are known to be pathogenic. Please note: this variant was assessed in the context of healthy population screening.